The following is an entry in ClinVar:

ClinVar aggregate classification (germline): Uncertain significance (1 of 4 stars; one submission).

Allele frequency attached by ClinVar (database versions not stated): TOPMed below 0.00001.
gnomAD v4.1: 1 of 1,613,934 alleles (0.000062%); no homozygotes.

Submission:

Labcorp Genetics (formerly Invitae), Labcorp
Classification: Uncertain significance. Last evaluated: 2024-02-23. Review status: criteria provided, single submitter. Criteria: Invitae Variant Classification Sherloc (09022015). Collection method: clinical testing. Allele origin: germline.
Comment: This sequence change falls in intron 4 of the DNAJC17 gene. It does not directly change the encoded amino acid sequence of the DNAJC17 protein. It affects a nucleotide within the consensus splice site. This variant is not present in population databases (gnomAD no frequency). This variant has not been reported in the literature in individuals affected with DNAJC17-related conditions. ClinVar contains an entry for this variant (Variation ID: 2089099). Variants that disrupt the consensus splice site are a relatively common cause of aberrant splicing (PMID: 17576681, 9536098). Algorithms developed to predict the effect of sequence changes on RNA splicing suggest that this variant is not likely to affect RNA splicing. In summary, the available evidence is currently insufficient to determine the role of this variant in disease. Therefore, it has been classified as a Variant of Uncertain Significance.

Literature cited by the submitters: PubMed 17576681; PubMed 9536098.

NM_018163.3(DNAJC17):c.295+4G>C

Gene: DNAJC17 (DnaJ heat shock protein family (Hsp40) member C17; minus strand). Cytogenetic location: 15q15.1.
Variant type: single nucleotide variant.
Coding change: c.295+4G>C on transcript NM_018163.3 (MANE Select); 4 bases into the intron after coding-DNA position 295, G replaced by C.
Molecular consequence: intron variant.
Genome position (GRCh38, 1-based): chr15:40,779,219, C>G on the plus strand (G>C on the coding strand, the complement: DNAJC17 is on the minus strand). VCF-style: chr15-40779219-C-G. GRCh37 (hg19) VCF-style: chr15-41071417-C-G.
Identifiers: ClinVar variation 2089099 (VCV002089099.4), dbSNP rs1889411162, ClinGen allele CA912980448.